The following is an entry in ClinVar:

ClinVar aggregate classification (germline): Uncertain significance (1 of 4 stars; one submission).

Submission:

GeneDx
Classification: Uncertain significance. Last evaluated: 2025-03-18. Review status: criteria provided, single submitter. Criteria: GeneDx Variant Classification Process June 2021. Collection method: clinical testing. Allele origin: germline. Affected: yes.
Comment: Not observed at significant frequency in large population cohorts (gnomAD); In silico analysis indicates that this missense variant does not alter protein structure/function; Has not been previously published as pathogenic or benign to our knowledge

NM_031889.3(ENAM):c.80T>C (p.Leu27Pro)

Gene: ENAM (enamelin; plus strand). Cytogenetic location: 4q13.3.
Variant type: single nucleotide variant.
Coding change: c.80T>C on transcript NM_031889.3 (MANE Select); coding-DNA position 80, T replaced by C.
Protein change: p.Leu27Pro; replaces leucine 27 with proline.
Molecular consequence: missense variant.
Genome position (GRCh38, 1-based): chr4:70,631,695, T>C. VCF-style: chr4-70631695-T-C. GRCh37 (hg19) VCF-style: chr4-71497412-T-C.
Other names: short protein forms L27P.
Identifiers: ClinVar variation 4086296 (VCV004086296.1).
Genomic context (GRCh38, chr4:70,631,695, plus strand): 5'-ACAGACCAAAAATAAAAATCAATTTTTTATTCTAGGTACCAAAAGGCAAAATGAAGATTC[T>C]CCTGGTCTTTCTAGGGCTTCTTGGTAATTCTGTTGCTATGCCAGTGAGTATTTTTTAAAT-3'
Protein context (NP_114095.2, residues 17-37): NLVPKGKMKI[Leu27Pro]LVFLGLLGNS